The following is an entry in ClinVar:

NM_144658.4(DOCK11):c.3371C>T (p.Ser1124Phe)

Gene: DOCK11 (dedicator of cytokinesis 11; plus strand). Cytogenetic location: Xq24.
Variant type: single nucleotide variant.
Coding change: c.3371C>T on transcript NM_144658.4 (MANE Select); coding-DNA position 3371, C replaced by T.
Protein change: p.Ser1124Phe; replaces serine 1124 with phenylalanine.
Molecular consequence: missense variant.
Genome position (GRCh38, 1-based): chrX:118,618,628, C>T. VCF-style: chrX-118618628-C-T. GRCh37 (hg19) VCF-style: chrX-117752591-C-T.
Other names: short protein forms S1124F.
Identifiers: ClinVar variation 4984016 (VCV004984016.1).

ClinVar aggregate classification (germline): Uncertain significance (1 of 4 stars; one submission).

Conditions:
DOCK11-related disorder. Also called: DOCK11-related condition.

gnomAD v4.1: 1 of 1,206,110 alleles (0.000083%); highest among the groups gnomAD compares: African/African-American, 0.0018%; no homozygotes.

Submission:

PreventionGenetics, part of Exact Sciences
Classification: Uncertain significance for DOCK11-related condition. Last evaluated: 2025-12-01. Review status: criteria provided, single submitter. Criteria: ACMG Guidelines, 2015. Collection method: clinical testing. Allele origin: germline.
Comment: The DOCK11 c.3371C>T variant is predicted to result in the amino acid substitution p.Ser1124Phe. To our knowledge, this variant has not been reported in the literature or in a large population database (gnomAD), indicating this variant is rare. At this time, the clinical significance of this variant is uncertain due to the absence of conclusive functional and genetic evidence.